The following is an entry in ClinVar:

ClinVar aggregate classification (germline): Pathogenic (1 of 4 stars; one submission).

Conditions:
Hyperkalemic periodic paralysis. Also called: Familial hyperkalemic periodic paralysis; Gamstorp disease. Identifiers: Orphanet 682, MedGen C0238357, MONDO:0008224, OMIM 170500, HP:0007215.

Submission:

Labcorp Genetics (formerly Invitae), Labcorp
Classification: Pathogenic for Hyperkalemic periodic paralysis. Last evaluated: 2023-05-23. Review status: criteria provided, single submitter. Criteria: Invitae Variant Classification Sherloc (09022015). Collection method: clinical testing. Allele origin: germline.
Comment: This sequence change replaces alanine, which is neutral and non-polar, with aspartic acid, which is acidic and polar, at codon 444 of the SCN4A protein (p.Ala444Asp). This variant is not present in population databases (gnomAD no frequency). This missense change has been observed in individual(s) with paramyotonia congenita (PMID: 21220685). In at least one individual the variant was observed to be de novo. Advanced modeling of protein sequence and biophysical properties (such as structural, functional, and spatial information, amino acid conservation, physicochemical variation, residue mobility, and thermodynamic stability) performed at Invitae indicates that this missense variant is expected to disrupt SCN4A protein function. For these reasons, this variant has been classified as Pathogenic.

Literature cited by the submitters: PubMed 21220685.

NM_000334.4(SCN4A):c.1331C>A (p.Ala444Asp)

Gene: SCN4A (sodium voltage-gated channel alpha subunit 4; minus strand). Cytogenetic location: 17q23.3.
Variant type: single nucleotide variant.
Coding change: c.1331C>A on transcript NM_000334.4 (MANE Select); coding-DNA position 1331, C replaced by A.
Protein change: p.Ala444Asp; replaces alanine 444 with aspartic acid.
Molecular consequence: missense variant.
Genome position (GRCh38, 1-based): chr17:63,964,589, G>T on the plus strand (C>A on the coding strand, the complement: SCN4A is on the minus strand). VCF-style: chr17-63964589-G-T. GRCh37 (hg19) VCF-style: chr17-62041949-G-T.
Other names: short protein forms A444D.
Identifiers: ClinVar variation 2865882 (VCV002865882.3), dbSNP rs2509315709, ClinGen allele CA400635025.